The following is an entry in ClinVar:

ClinVar aggregate classification (germline): Uncertain significance (1 of 4 stars; one submission).

Submission:

Women's Health and Genetics/Laboratory Corporation of America, LabCorp
Classification: Uncertain significance. Last evaluated: 2026-02-26. Review status: criteria provided, single submitter. Criteria: LabCorp Variant Classification Summary - May 2015. Collection method: clinical testing. Allele origin: germline.
Comment: Variant summary: MMAA c.-66+2T>C is located in the untranslated mRNA region upstream of the initiation codon. The variant was absent in 31354 control chromosomes. c.-66+2T>C has been observed in compound heterozygous state in two individuals in a family affected with clinical features of Methylmalonic Acidemia (Marelli_2022). This variant has also been observed possibly as a heterozygous change in one individual affected with neurodevelopmental disability (Blue_2022). To our knowledge, no experimental evidence demonstrating an impact on protein function has been reported. The following publications have been ascertained in the context of this evaluation (PMID: 34670123, 35618652). No submitters have cited clinical-significance assessments for this variant to ClinVar. Based on the evidence outlined above, the variant was classified as VUS-possibly pathogenic.

Literature cited by the submitters: PubMed 35618652; PubMed 34670123.

NM_172250.3(MMAA):c.-66+2T>C

Genes: MMAA (metabolism of cobalamin associated A; plus strand), LOC129993163 (ATAC-STARR-seq lymphoblastoid silent region 15731; plus strand). Cytogenetic location: 4q31.21.
Variant type: single nucleotide variant.
Coding change: c.-66+2T>C on transcript NM_172250.3 (MANE Select); the canonical splice donor site of the intron after 66 bases upstream of the start codon, T replaced by C.
Molecular consequence: splice donor variant. On other transcripts: 5 prime UTR variant (1).
Genome position (GRCh38, 1-based): chr4:145,619,409, T>C. VCF-style: chr4-145619409-T-C. GRCh37 (hg19) VCF-style: chr4-146540561-T-C.
Other names: c.-306T>C (NM_001375644.1).
Identifiers: ClinVar variation 4847866 (VCV004847866.1).